The following is an entry in ClinVar:

ClinVar aggregate classification (germline): Uncertain significance. Review status: criteria provided, multiple submitters, no conflicts (2 of 4 stars). 2 submissions from 2 submitters: Uncertain significance (2). Last evaluated 2024-05-27.

Conditions:
Idiopathic Pulmonary Fibrosis. Also called: Idiopathic fibrosing alveolitis, chronic form; idiopathic fibrosing alveolitis. Identifiers: Orphanet 2032, MedGen C1800706, MeSH D054990, MONDO:0800504.
Dyskeratosis congenita, autosomal dominant 2. Identifiers: MedGen C3151443, MONDO:0013521, OMIM 613989.
Dyskeratosis congenita. Identifiers: Orphanet 1775, MedGen C0265965, MONDO:0015780.

Allele frequency attached by ClinVar (database versions not stated): gnomAD exomes below 0.00001; TOPMed below 0.00001.
gnomAD v4.1: 8 of 1,553,926 alleles (0.00051%); highest among the groups gnomAD compares: Non-Finnish European, 0.00061%; no homozygotes.

Submissions (2):

Labcorp Genetics (formerly Invitae), Labcorp
Classification: Uncertain significance for Dyskeratosis congenita, autosomal dominant 2; Idiopathic Pulmonary Fibrosis. Last evaluated: 2024-05-27. Review status: criteria provided, single submitter. Criteria: Invitae Variant Classification Sherloc (09022015). Collection method: clinical testing. Allele origin: germline.
Comment: This sequence change replaces valine, which is neutral and non-polar, with phenylalanine, which is neutral and non-polar, at codon 419 of the TERT protein (p.Val419Phe). This variant is not present in population databases (gnomAD no frequency). This variant has not been reported in the literature in individuals affected with TERT-related conditions. ClinVar contains an entry for this variant (Variation ID: 1019649). Advanced modeling of protein sequence and biophysical properties (such as structural, functional, and spatial information, amino acid conservation, physicochemical variation, residue mobility, and thermodynamic stability) performed at Invitae indicates that this missense variant is not expected to disrupt TERT protein function with a negative predictive value of 95%. In summary, the available evidence is currently insufficient to determine the role of this variant in disease. Therefore, it has been classified as a Variant of Uncertain Significance.

Ambry Genetics
Classification: Uncertain significance for Dyskeratosis congenita. Last evaluated: 2022-01-27. Review status: criteria provided, single submitter. Criteria: Ambry Variant Classification Scheme 2023. Collection method: clinical testing. Allele origin: germline.
Comment: The p.V419F variant (also known as c.1255G>T), located in coding exon 2 of the TERT gene, results from a G to T substitution at nucleotide position 1255. The valine at codon 419 is replaced by phenylalanine, an amino acid with highly similar properties. This amino acid position is conserved. In addition, this alteration is predicted to be tolerated by in silico analysis. Since supporting evidence is limited at this time, the clinical significance of this alteration remains unclear.

NM_198253.3(TERT):c.1255G>T (p.Val419Phe)

Gene: TERT (telomerase reverse transcriptase; minus strand). Cytogenetic location: 5p15.33.
Variant type: single nucleotide variant.
Coding change: c.1255G>T on transcript NM_198253.3 (MANE Select); coding-DNA position 1255, G replaced by T.
Protein change: p.Val419Phe; replaces valine 419 with phenylalanine.
Molecular consequence: missense variant. On other transcripts: non-coding transcript variant (2).
Genome position (GRCh38, 1-based): chr5:1,293,631, C>A on the plus strand (G>T on the coding strand, the complement: TERT is on the minus strand). VCF-style: chr5-1293631-C-A. GRCh37 (hg19) VCF-style: chr5-1293746-C-A.
Other names: c.1255G>T, p.Val419Phe (NM_001193376.3); short protein forms V419F.
Identifiers: ClinVar variation 1019649 (VCV001019649.49), dbSNP rs1189188708, ClinGen allele CA359086426.